The following is an entry in ClinVar:

NM_014913.4(ADNP2):c.1903G>T (p.Ala635Ser)

Gene: ADNP2 (ADNP homeobox 2; plus strand). Cytogenetic location: 18q23.
Variant type: single nucleotide variant.
Coding change: c.1903G>T on transcript NM_014913.4 (MANE Select); coding-DNA position 1903, G replaced by T.
Protein change: p.Ala635Ser; replaces alanine 635 with serine.
Molecular consequence: missense variant.
Genome position (GRCh38, 1-based): chr18:80,137,316, G>T. VCF-style: chr18-80137316-G-T. GRCh37 (hg19) VCF-style: chr18-77895199-G-T.
Other names: short protein forms A635S.
Identifiers: ClinVar variation 4868067 (VCV004868067.1).
Genomic context (GRCh38, chr18:80,137,316, plus strand): 5'-TACACGCTGGCCCCCGTGTCTGTCACTCTGCCGGTTCCCCCTGGAGGCCTTGCGACTGTC[G>T]CTCCGCCCCAGATGCCCATCCAGCTCCTGCCGTCAGGTGCAGCTGCACCAATGGCCGGTT-3'
Protein context (NP_055728.1, residues 625-645): PVPPGGLATV[Ala635Ser]PPQMPIQLLP

ClinVar aggregate classification (germline): Uncertain significance (1 of 4 stars; one submission).

gnomAD v4.1: 12 of 1,613,744 alleles (0.00074%); highest among the groups gnomAD compares: South Asian, 0.013%; no homozygotes.

Submission:

Ambry Genetics
Classification: Uncertain significance. Last evaluated: 2026-03-19. Review status: criteria provided, single submitter. Criteria: Ambry Variant Classification Scheme 2023. Collection method: clinical testing. Allele origin: germline.
Comment: The c.1903G>T (p.A635S) alteration is located in exon 4 (coding exon 3) of the ADNP2 gene. This alteration results from a G to T substitution at nucleotide position 1903, causing the alanine (A) at amino acid position 635 to be replaced by a serine (S). Based on data from gnomAD, the T allele has an overall frequency of 0.002% (5/250384) total alleles studied. The highest observed frequency was 0.016% (5/30614) of South Asian alleles. Based on insufficient or conflicting evidence, the clinical significance of this alteration remains unclear.